The following is an entry in ClinVar:

NM_001001344.3(ATP2B3):c.2505C>T (p.Ile835=)

Gene: ATP2B3 (ATPase plasma membrane Ca2+ transporting 3; plus strand). Cytogenetic location: Xq28.
Variant type: single nucleotide variant.
Coding change: c.2505C>T on transcript NM_001001344.3 (MANE Select); coding-DNA position 2505, C replaced by T.
Protein change: p.Ile835=; no amino-acid change (isoleucine 835 retained).
Molecular consequence: synonymous variant.
Genome position (GRCh38, 1-based): chrX:153,558,183, C>T. VCF-style: chrX-153558183-C-T. GRCh37 (hg19) VCF-style: chrX-152823641-C-T.
Other names: c.2505C>T, p.Ile835= (NM_001388360.1, NM_001388361.1, NM_001388362.1 and 1 more transcripts); c.2463C>T, p.Ile821= (NM_001410708.1).
Identifiers: ClinVar variation 3353129 (VCV003353129.1).

ClinVar aggregate classification (germline): Likely benign (0 of 4 stars; one submission).

Conditions:
ATP2B3-related disorder. Also called: ATP2B3-related condition.

gnomAD v4.1: 31 of 1,209,784 alleles (0.0026%); highest among the groups gnomAD compares: Middle Eastern, 0.069%; no homozygotes.

Submission:

PreventionGenetics, part of Exact Sciences
Classification: Likely benign for ATP2B3-related condition. Last evaluated: 2019-03-14. Review status: no assertion criteria provided. Collection method: clinical testing. Allele origin: germline.
Comment: This variant is classified as likely benign based on ACMG/AMP sequence variant interpretation guidelines (Richards et al. 2015 PMID: 25741868, with internal and published modifications).